The following is an entry in ClinVar:

NM_001042681.2(RERE):c.4620C>G (p.His1540Gln)

Gene: RERE (arginine-glutamic acid dipeptide repeats; minus strand). Cytogenetic location: 1p36.23.
Variant type: single nucleotide variant.
Coding change: c.4620C>G on transcript NM_001042681.2 (MANE Select); coding-DNA position 4620, C replaced by G.
Protein change: p.His1540Gln; replaces histidine 1540 with glutamine.
Molecular consequence: missense variant.
Genome position (GRCh38, 1-based): chr1:8,355,466, G>C on the plus strand (C>G on the coding strand, the complement: RERE is on the minus strand). VCF-style: chr1-8355466-G-C. GRCh37 (hg19) VCF-style: chr1-8415526-G-C.
Other names: c.2958C>G, p.His986Gln (NM_001042682.2); c.4620C>G, p.His1540Gln (NM_012102.4); short protein forms H1540Q, H986Q.
Identifiers: ClinVar variation 1690607 (VCV001690607.7), dbSNP rs1256059156, ClinGen allele CA338168082.

ClinVar aggregate classification (germline): Uncertain significance. Review status: criteria provided, multiple submitters, no conflicts (2 of 4 stars). 2 submissions from 2 submitters: Uncertain significance (2). Last evaluated 2022-08-15.

Submissions (2):

Labcorp Genetics (formerly Invitae), Labcorp
Classification: Uncertain significance. Last evaluated: 2022-08-15. Review status: criteria provided, single submitter. Criteria: Invitae Variant Classification Sherloc (09022015). Collection method: clinical testing. Allele origin: germline.
Comment: In summary, the available evidence is currently insufficient to determine the role of this variant in disease. Therefore, it has been classified as a Variant of Uncertain Significance. Advanced modeling of protein sequence and biophysical properties (such as structural, functional, and spatial information, amino acid conservation, physicochemical variation, residue mobility, and thermodynamic stability) performed at Invitae indicates that this missense variant is expected to disrupt RERE protein function. This sequence change replaces histidine, which is basic and polar, with glutamine, which is neutral and polar, at codon 1540 of the RERE protein (p.His1540Gln). This variant is not present in population databases (gnomAD no frequency). This variant has not been reported in the literature in individuals affected with RERE-related conditions. ClinVar contains an entry for this variant (Variation ID: 1690607).

Laboratorio de Genetica e Diagnostico Molecular, Hospital Israelita Albert Einstein
Classification: Uncertain significance. Last evaluated: 2021-03-24. Review status: criteria provided, single submitter. Criteria: ACMG Guidelines, 2015. Collection method: clinical testing. Allele origin: germline. Affected: yes.
Comment: ACMG classification criteria: PM2, PP3